The following is an entry in ClinVar:

NM_001130009.3(GEN1):c.412A>G (p.Met138Val)

Gene: GEN1 (GEN1 Holliday junction 5' flap endonuclease; plus strand). Cytogenetic location: 2p24.2.
Variant type: single nucleotide variant.
Coding change: c.412A>G on transcript NM_001130009.3 (MANE Select); coding-DNA position 412, A replaced by G.
Protein change: p.Met138Val; replaces methionine 138 with valine.
Molecular consequence: missense variant.
Genome position (GRCh38, 1-based): chr2:17,764,960, A>G. VCF-style: chr2-17764960-A-G. GRCh37 (hg19) VCF-style: chr2-17946227-A-G.
Other names: c.412A>G, p.Met138Val (NM_182625.5); short protein forms M138V.
Identifiers: ClinVar variation 4029308 (VCV004029308.1).

ClinVar aggregate classification (germline): Uncertain significance (1 of 4 stars; one submission).

Submission:

Ambry Genetics
Classification: Uncertain significance. Last evaluated: 2025-05-19. Review status: criteria provided, single submitter. Criteria: Ambry Variant Classification Scheme 2023. Collection method: clinical testing. Allele origin: germline.
Comment: The p.M138V variant (also known as c.412A>G), located in coding exon 3 of the GEN1 gene, results from an A to G substitution at nucleotide position 412. The methionine at codon 138 is replaced by valine, an amino acid with highly similar properties. This amino acid position is conserved. In addition, the in silico prediction for this alteration is inconclusive. Based on the available evidence, the clinical significance of this variant remains unclear.